The following is an entry in ClinVar:

NM_020987.5(ANK3):c.3279T>C (p.Phe1093=)

Gene: ANK3 (ankyrin 3; minus strand). Cytogenetic location: 10q21.2.
Variant type: single nucleotide variant.
Coding change: c.3279T>C on transcript NM_020987.5 (MANE Select); coding-DNA position 3279, T replaced by C.
Protein change: p.Phe1093=; no amino-acid change (phenylalanine 1093 retained).
Molecular consequence: synonymous variant.
Genome position (GRCh38, 1-based): chr10:60,105,954, A>G on the plus strand (T>C on the coding strand, the complement: ANK3 is on the minus strand). VCF-style: chr10-60105954-A-G. GRCh37 (hg19) VCF-style: chr10-61865712-A-G.
Other names: c.681T>C, p.Phe227= (NM_001149.4); c.3261T>C, p.Phe1087= (NM_001204403.2); c.3282T>C, p.Phe1094= (NM_001204404.2); c.3279T>C, p.Phe1093= (NM_001320874.2).
Identifiers: ClinVar variation 3036537 (VCV003036537.4), dbSNP rs562083248, ClinGen allele CA5512520.

ClinVar aggregate classification (germline): Likely benign. Review status: criteria provided, multiple submitters, no conflicts (2 of 4 stars). 3 submissions from 3 submitters: Likely benign (2). 1 of the submissions does not count toward it. Last evaluated 2025-07-02.

Conditions:
ANK3-related disorder. Also called: ANK3-related condition.

gnomAD v4.1: 6 of 1,612,172 alleles (0.00037%); highest among the groups gnomAD compares: Middle Eastern, 0.066%; 1 homozygote.

Submissions (3):

Labcorp Genetics (formerly Invitae), Labcorp
Classification: Likely benign. Last evaluated: 2025-07-02. Review status: criteria provided, single submitter. Criteria: Invitae Variant Classification Sherloc (09022015). Collection method: clinical testing. Allele origin: germline.

Blueprint Genetics
Classification: Likely benign. Last evaluated: 2023-08-17. Review status: criteria provided, single submitter. Criteria: ACMG Guidelines, 2015. Collection method: clinical testing. Allele origin: germline.

PreventionGenetics, part of Exact Sciences
Classification: Likely benign for ANK3-related condition. Last evaluated: 2021-03-29. Review status: no assertion criteria provided. Collection method: clinical testing. Allele origin: germline. Not counted in ClinVar's aggregate classification.
Comment: This variant is classified as likely benign based on ACMG/AMP sequence variant interpretation guidelines (Richards et al. 2015 PMID: 25741868, with internal and published modifications).